The following is an entry in ClinVar:

ClinVar aggregate classification (germline): Uncertain significance. Review status: criteria provided, multiple submitters, no conflicts (2 of 4 stars). 2 submissions from 2 submitters: Uncertain significance (2). Last evaluated 2025-03-28.

Conditions:
Inborn genetic diseases. Identifiers: MedGen C0950123, MeSH D030342.

Submissions (2):

Ambry Genetics
Classification: Uncertain significance for Inborn genetic diseases. Last evaluated: 2025-03-28. Review status: criteria provided, single submitter. Criteria: Ambry Variant Classification Scheme 2023. Collection method: clinical testing. Allele origin: germline.

Labcorp Genetics (formerly Invitae), Labcorp
Classification: Uncertain significance. Last evaluated: 2021-12-19. Review status: criteria provided, single submitter. Criteria: Invitae Variant Classification Sherloc (09022015). Collection method: clinical testing. Allele origin: germline.
Comment: In summary, the available evidence is currently insufficient to determine the role of this variant in disease. Therefore, it has been classified as a Variant of Uncertain Significance. Algorithms developed to predict the effect of sequence changes on RNA splicing suggest that this variant may create or strengthen a splice site. Algorithms developed to predict the effect of missense changes on protein structure and function (SIFT, PolyPhen-2, Align-GVGD) all suggest that this variant is likely to be tolerated. This variant has not been reported in the literature in individuals affected with TRMT5-related conditions. This sequence change replaces leucine, which is neutral and non-polar, with valine, which is neutral and non-polar, at codon 156 of the TRMT5 protein (p.Leu156Val). This variant is not present in population databases (gnomAD no frequency).

NM_020810.3(TRMT5):c.466C>G (p.Leu156Val)

Gene: TRMT5 (tRNA methyltransferase 5; minus strand). Cytogenetic location: 14q23.1.
Variant type: single nucleotide variant.
Coding change: c.466C>G on transcript NM_020810.3 (MANE Select); coding-DNA position 466, C replaced by G.
Protein change: p.Leu156Val; replaces leucine 156 with valine.
Molecular consequence: missense variant.
Genome position (GRCh38, 1-based): chr14:60,979,432, G>C on the plus strand (C>G on the coding strand, the complement: TRMT5 is on the minus strand). VCF-style: chr14-60979432-G-C. GRCh37 (hg19) VCF-style: chr14-61446150-G-C.
Other names: c.466C>G (NM_020810.2); c.550C>G, p.Leu184Val (NM_001350253.1); c.547C>G, p.Leu183Val (NM_001350254.1); short protein forms L156V, L183V, L184V.
Identifiers: ClinVar variation 2048841 (VCV002048841.5), dbSNP rs2502992929, ClinGen allele CA389920848.